The following is an entry in ClinVar:

ClinVar aggregate classification (germline): Uncertain significance. Review status: criteria provided, multiple submitters, no conflicts (2 of 4 stars). 2 submissions from 2 submitters: Uncertain significance (2). Last evaluated 2026-07-07.

Conditions:
Neuroblastoma, susceptibility to, 2. Identifiers: Orphanet 635, MedGen C2751682, MONDO:0700041, OMIM 613013.
Hereditary cancer-predisposing syndrome. Also called: Hereditary neoplastic syndrome; Hereditary Cancer Syndrome; Neoplastic Syndromes, Hereditary; Tumor predisposition. Identifiers: Orphanet 140162, MedGen C0027672, MeSH D009386, MONDO:0015356.

Allele frequency attached by ClinVar (database versions not stated): gnomAD exomes 0.00001.

Submissions (2):

Ambry Genetics
Classification: Uncertain significance for Hereditary cancer-predisposing syndrome. Last evaluated: 2026-07-07. Review status: criteria provided, single submitter. Criteria: Ambry Variant Classification Scheme 2023. Collection method: clinical testing. Allele origin: germline.
Comment: The p.P204H variant (also known as c.611C>A), located in coding exon 3 of the PHOX2B gene, results from a C to A substitution at nucleotide position 611. The proline at codon 204 is replaced by histidine, an amino acid with similar properties. This amino acid position is conserved. In addition, this alteration is predicted to be tolerated by in silico analysis. Based on the available evidence, the clinical significance of this variant remains unclear.

Baylor Genetics
Classification: Uncertain significance for Neuroblastoma, susceptibility to, 2. Last evaluated: 2023-09-04. Review status: criteria provided, single submitter. Criteria: ACMG Guidelines, 2015. Collection method: clinical testing. Allele origin: unknown.

NM_003924.4(PHOX2B):c.611C>A (p.Pro204His)

Gene: PHOX2B (paired like homeobox 2B; minus strand). Cytogenetic location: 4p13.
Variant type: single nucleotide variant.
Coding change: c.611C>A on transcript NM_003924.4 (MANE Select); coding-DNA position 611, C replaced by A.
Protein change: p.Pro204His; replaces proline 204 with histidine.
Molecular consequence: missense variant.
Genome position (GRCh38, 1-based): chr4:41,746,141, G>T on the plus strand (C>A on the coding strand, the complement: PHOX2B is on the minus strand). VCF-style: chr4-41746141-G-T. GRCh37 (hg19) VCF-style: chr4-41748158-G-T.
Other names: short protein forms P204H.
Identifiers: ClinVar variation 2677753 (VCV002677753.2), dbSNP rs1251053412, ClinGen allele CA356737740.